The following is an entry in ClinVar:

NM_001379286.1(ZNF423):c.2640T>C (p.His880=)

Gene: ZNF423 (zinc finger protein 423; minus strand). Cytogenetic location: 16q12.1.
Variant type: single nucleotide variant.
Coding change: c.2640T>C on transcript NM_001379286.1 (MANE Select); coding-DNA position 2640, T replaced by C.
Protein change: p.His880=; no amino-acid change (histidine 880 retained).
Molecular consequence: synonymous variant.
Genome position (GRCh38, 1-based): chr16:49,636,536, A>G on the plus strand (T>C on the coding strand, the complement: ZNF423 is on the minus strand). VCF-style: chr16-49636536-A-G. GRCh37 (hg19) VCF-style: chr16-49670447-A-G.
Other names: c.2436T>C, p.His812= (NM_001271620.2); c.2265T>C, p.His755= (NM_001330533.2); c.2616T>C, p.His872= (NM_015069.5); c.2616T>C (NM_015069.4).
Identifiers: ClinVar variation 1119346 (VCV001119346.34), dbSNP rs200880737, ClinGen allele CA8046462.
Genomic context (GRCh38, chr16:49,636,536, plus strand): 5'-CCCACAGATGTCACAGCCGTACATGGGCTCCGACGCGTCCACGTCATCCTCGCTGGCCTC[A>G]TGGCTGTTAGGTGCCTCAGGGTTCTTAAGCAGCATGCCCTGCAGGTCAGCAGGCTCAGCT-3'
Protein context (NP_001366215.1, residues 870-890): LLKNPEAPNS[His880=]EASEDDVDAS

ClinVar aggregate classification (germline): Likely benign. Review status: criteria provided, multiple submitters, no conflicts (2 of 4 stars). 5 submissions from 5 submitters: Likely benign (5). Last evaluated 2026-06-16.

Conditions:
ZNF423-related disorder. Also called: ZNF423-related condition.
Nephronophthisis 14 (NPHP14). Identifiers: Orphanet 2318, MedGen C3539071, MONDO:0013916, OMIM 614844.

Allele frequency attached by ClinVar (database versions not stated): ExAC 0.00006; gnomAD exomes 0.00006 and 0.00015; ESP Exome Variant Server 0.00008; TOPMed 0.00012.
gnomAD v4.1: 225 of 1,613,602 alleles (0.014%); highest among the groups gnomAD compares: Non-Finnish European, 0.018%; 1 homozygote.

Submissions (5):

Women's Health and Genetics/Laboratory Corporation of America, LabCorp
Classification: Likely benign. Last evaluated: 2026-06-16. Review status: criteria provided, single submitter. Criteria: LabCorp Variant Classification Summary - May 2015. Collection method: clinical testing. Allele origin: germline.

Labcorp Genetics (formerly Invitae), Labcorp
Classification: Likely benign for Nephronophthisis 14. Last evaluated: 2026-01-27. Review status: criteria provided, single submitter. Criteria: Invitae Variant Classification Sherloc (09022015). Collection method: clinical testing. Allele origin: germline.

PreventionGenetics, part of Exact Sciences
Classification: Likely benign for ZNF423-related condition. Last evaluated: 2025-10-30. Review status: criteria provided, single submitter. Criteria: ACMG Guidelines, 2015. Collection method: clinical testing. Allele origin: germline.
Comment: This variant is classified as likely benign based on ACMG/AMP sequence variant interpretation guidelines (Richards et al. 2015 PMID: 25741868, with internal and published modifications).

Blueprint Genetics
Classification: Likely benign. Last evaluated: 2024-10-03. Review status: criteria provided, single submitter. Criteria: ACMG Guidelines, 2015. Collection method: clinical testing. Allele origin: germline.

CeGaT Center for Human Genetics Tuebingen
Classification: Likely benign. Last evaluated: 2023-11-01. Review status: criteria provided, single submitter. Criteria: CeGaT Center For Human Genetics Tuebingen Variant Classification Criteria Version 2. Collection method: clinical testing. Allele origin: germline. Affected: yes. Observed: 1 variant allele.
Comment: ZNF423: BP4, BP7